The following is an entry in ClinVar:

ClinVar aggregate classification (germline): Likely benign (1 of 4 stars; one submission).

Allele frequency attached by ClinVar (database versions not stated): gnomAD 0.00046; TOPMed 0.00048; gnomAD exomes 0.00050; ExAC 0.00099; ESP Exome Variant Server 0.00038.
gnomAD v4.1: 799 of 1,587,640 alleles (0.05%); highest among the groups gnomAD compares: Non-Finnish European, 0.056%; no homozygotes.

Submission:

CeGaT Center for Human Genetics Tuebingen
Classification: Likely benign. Last evaluated: 2026-08-01. Review status: criteria provided, single submitter. Criteria: CeGaT Center For Human Genetics Tuebingen Variant Classification Criteria Version 2. Collection method: clinical testing. Allele origin: germline. Affected: yes. Observed: 4 variant alleles.
Comment: ADGRL1: BP4, BP7

NM_014921.5(ADGRL1):c.1623T>C (p.Ser541=)

Genes: ADGRL1 (adhesion G protein-coupled receptor L1; minus strand), ADGRL1-AS1 (ADGRL1 antisense RNA 1; plus strand). Cytogenetic location: 19p13.12.
Variant type: single nucleotide variant.
Coding change: c.1623T>C on transcript NM_014921.5 (MANE Select); coding-DNA position 1623, T replaced by C.
Protein change: p.Ser541=; no amino-acid change (serine 541 retained).
Molecular consequence: synonymous variant.
Genome position (GRCh38, 1-based): chr19:14,160,289, A>G on the plus strand (T>C on the coding strand, the complement: ADGRL1 is on the minus strand). VCF-style: chr19-14160289-A-G. GRCh37 (hg19) VCF-style: chr19-14271101-A-G.
Other names: c.1638T>C, p.Ser546= (NM_001008701.3).
Identifiers: ClinVar variation 2649417 (VCV002649417.24), dbSNP rs139787007, ClinGen allele CA9250638.